The following is an entry in ClinVar:

ClinVar aggregate classification (germline): Conflicting classifications of pathogenicity. Review status: criteria provided, conflicting classifications (1 of 4 stars). 2 submissions from 2 submitters: Uncertain significance (1); Likely benign (1). Last evaluated 2022-12-14.

Allele frequency attached by ClinVar (database versions not stated): gnomAD exomes below 0.00001; TOPMed below 0.00001; ExAC 0.00001.
gnomAD v4.1: 6 of 1,586,624 alleles (0.00038%); highest among the groups gnomAD compares: Non-Finnish European, 0.00052%; no homozygotes.

Submissions (2):

Blueprint Genetics
Classification: Likely benign. Last evaluated: 2022-12-14. Review status: criteria provided, single submitter. Criteria: ACMG Guidelines, 2015. Collection method: clinical testing. Allele origin: germline.

Labcorp Genetics (formerly Invitae), Labcorp
Classification: Uncertain significance. Last evaluated: 2022-09-13. Review status: criteria provided, single submitter. Criteria: Invitae Variant Classification Sherloc (09022015). Collection method: clinical testing. Allele origin: germline.
Comment: In summary, the available evidence is currently insufficient to determine the role of this variant in disease. Therefore, it has been classified as a Variant of Uncertain Significance. Variants that disrupt the consensus splice site are a relatively common cause of aberrant splicing (PMID: 17576681, 9536098). Algorithms developed to predict the effect of sequence changes on RNA splicing suggest that this variant is not likely to affect RNA splicing. This variant has not been reported in the literature in individuals affected with KIF23-related conditions. This variant is present in population databases (rs750388701, gnomAD 0.004%). This sequence change falls in intron 4 of the KIF23 gene. It does not directly change the encoded amino acid sequence of the KIF23 protein. It affects a nucleotide within the consensus splice site.

Literature cited by the submitters: PubMed 17576681 (cited by Labcorp Genetics (formerly Invitae), Labcorp); PubMed 9536098 (cited by Labcorp Genetics (formerly Invitae), Labcorp).

NM_001367805.3(KIF23):c.316+4T>C

Gene: KIF23 (kinesin family member 23; plus strand). Cytogenetic location: 15q23.
Variant type: single nucleotide variant.
Coding change: c.316+4T>C on transcript NM_001367805.3 (MANE Select); 4 bases into the intron after coding-DNA position 316, T replaced by C.
Molecular consequence: intron variant.
Genome position (GRCh38, 1-based): chr15:69,421,756, T>C. VCF-style: chr15-69421756-T-C. GRCh37 (hg19) VCF-style: chr15-69714095-T-C.
Other names: c.316+4T>C (NM_138555.4, NM_001367804.2, NM_004856.7); c.123+4T>C (NM_001281301.2).
Identifiers: ClinVar variation 1903790 (VCV001903790.6), dbSNP rs750388701, ClinGen allele CA7634866.